The following is an entry in ClinVar:

NM_003482.4(KMT2D):c.5291T>G (p.Leu1764Arg)

Gene: KMT2D (lysine methyltransferase 2D; minus strand). Cytogenetic location: 12q13.12.
Variant type: single nucleotide variant.
Coding change: c.5291T>G on transcript NM_003482.4 (MANE Select); coding-DNA position 5291, T replaced by G.
Protein change: p.Leu1764Arg; replaces leucine 1764 with arginine.
Molecular consequence: missense variant.
Genome position (GRCh38, 1-based): chr12:49,043,896, A>C on the plus strand (T>G on the coding strand, the complement: KMT2D is on the minus strand). VCF-style: chr12-49043896-A-C. GRCh37 (hg19) VCF-style: chr12-49437679-A-C.
Other names: short protein forms L1764R.
Identifiers: ClinVar variation 2040995 (VCV002040995.5), dbSNP rs2120574845, ClinGen allele CA384634620.

ClinVar aggregate classification (germline): Uncertain significance. Review status: criteria provided, multiple submitters, no conflicts (2 of 4 stars). 2 submissions from 2 submitters: Uncertain significance (2). Last evaluated 2025-01-13.

Conditions:
Kabuki syndrome. Also called: NIIKAWA-KUROKI SYNDROME; Kabuki make-up syndrome. Identifiers: Orphanet 2322, MedGen C0796004, MONDO:0016512.

gnomAD v4.1: 1 of 1,614,078 alleles (0.000062%); highest among the groups gnomAD compares: African/African-American, 0.0013%; no homozygotes.

Submissions (2):

Greenwood Genetic Center Diagnostic Laboratories, Greenwood Genetic Center
Classification: Uncertain significance. Last evaluated: 2025-01-13. Review status: criteria provided, single submitter. Criteria: ACMG Guidelines, 2015. Collection method: clinical testing. Allele origin: germline.
Comment: PP2, PP3

Labcorp Genetics (formerly Invitae), Labcorp
Classification: Uncertain significance for Kabuki syndrome. Last evaluated: 2022-02-01. Review status: criteria provided, single submitter. Criteria: Invitae Variant Classification Sherloc (09022015). Collection method: clinical testing. Allele origin: germline.
Comment: In summary, the available evidence is currently insufficient to determine the role of this variant in disease. Therefore, it has been classified as a Variant of Uncertain Significance. Advanced modeling of protein sequence and biophysical properties (such as structural, functional, and spatial information, amino acid conservation, physicochemical variation, residue mobility, and thermodynamic stability) performed at Invitae indicates that this missense variant is expected to disrupt KMT2D protein function. This variant has not been reported in the literature in individuals affected with KMT2D-related conditions. This variant is not present in population databases (gnomAD no frequency). This sequence change replaces leucine, which is neutral and non-polar, with arginine, which is basic and polar, at codon 1764 of the KMT2D protein (p.Leu1764Arg).